The following is an entry in ClinVar:

ClinVar aggregate classification (germline): Uncertain significance (1 of 4 stars; one submission).

Allele frequency attached by ClinVar (database versions not stated): gnomAD exomes below 0.00001; ExAC 0.00001.

Submission:

Labcorp Genetics (formerly Invitae), Labcorp
Classification: Uncertain significance. Last evaluated: 2021-11-15. Review status: criteria provided, single submitter. Criteria: Invitae Variant Classification Sherloc (09022015). Collection method: clinical testing. Allele origin: germline.
Comment: In summary, the available evidence is currently insufficient to determine the role of this variant in disease. Therefore, it has been classified as a Variant of Uncertain Significance. Algorithms developed to predict the effect of missense changes on protein structure and function (SIFT, PolyPhen-2, Align-GVGD) all suggest that this variant is likely to be tolerated. This variant has not been reported in the literature in individuals affected with C1QB-related conditions. This variant is present in population databases (rs772517476, gnomAD 0.003%). This sequence change replaces proline, which is neutral and non-polar, with threonine, which is neutral and polar, at codon 155 of the C1QB protein (p.Pro155Thr).

NM_001378156.1(C1QB):c.457C>A (p.Pro153Thr)

Gene: C1QB (complement C1q B chain; plus strand). Cytogenetic location: 1p36.12.
Variant type: single nucleotide variant.
Coding change: c.457C>A on transcript NM_001378156.1 (MANE Select); coding-DNA position 457, C replaced by A.
Protein change: p.Pro153Thr; replaces proline 153 with threonine.
Molecular consequence: missense variant.
Genome position (GRCh38, 1-based): chr1:22,661,087, C>A. VCF-style: chr1-22661087-C-A. GRCh37 (hg19) VCF-style: chr1-22987580-C-A.
Other names: c.463C>A, p.Pro155Thr (NM_000491.5); c.457C>A, p.Pro153Thr (NM_001371184.3); short protein forms P153T, P155T.
Identifiers: ClinVar variation 1351830 (VCV001351830.6), dbSNP rs772517476, ClinGen allele CA678171.